The following is an entry in ClinVar:

ClinVar aggregate classification (germline): Uncertain significance (1 of 4 stars; one submission).

Allele frequency attached by ClinVar (database versions not stated): gnomAD exomes below 0.00001.
gnomAD v4.1: 1 of 1,565,778 alleles (0.000064%); highest among the groups gnomAD compares: Non-Finnish European, 0.000088%; no homozygotes.

Submission:

Labcorp Genetics (formerly Invitae), Labcorp
Classification: Uncertain significance. Last evaluated: 2022-11-01. Review status: criteria provided, single submitter. Criteria: Invitae Variant Classification Sherloc (09022015). Collection method: clinical testing. Allele origin: germline.
Comment: In summary, the available evidence is currently insufficient to determine the role of this variant in disease. Therefore, it has been classified as a Variant of Uncertain Significance. Algorithms developed to predict the effect of missense changes on protein structure and function are either unavailable or do not agree on the potential impact of this missense change (SIFT: "Not Available"; PolyPhen-2: "Benign"; Align-GVGD: "Not Available"). This variant has not been reported in the literature in individuals affected with PIK3C2A-related conditions. This variant is not present in population databases (gnomAD no frequency). This sequence change replaces serine, which is neutral and polar, with threonine, which is neutral and polar, at codon 815 of the PIK3C2A protein (p.Ser815Thr).

NM_002645.4(PIK3C2A):c.2443T>A (p.Ser815Thr)

Gene: PIK3C2A (phosphatidylinositol-4-phosphate 3-kinase catalytic subunit type 2 alpha; minus strand). Cytogenetic location: 11p15.1.
Variant type: single nucleotide variant.
Coding change: c.2443T>A on transcript NM_002645.4 (MANE Select); coding-DNA position 2443, T replaced by A.
Protein change: p.Ser815Thr; replaces serine 815 with threonine.
Molecular consequence: missense variant.
Genome position (GRCh38, 1-based): chr11:17,122,770, A>T on the plus strand (T>A on the coding strand, the complement: PIK3C2A is on the minus strand). VCF-style: chr11-17122770-A-T. GRCh37 (hg19) VCF-style: chr11-17144317-A-T.
Other names: c.2443T>A, p.Ser815Thr (NM_001321378.2); c.1303T>A, p.Ser435Thr (NM_001321380.2); c.2275T>A, p.Ser759Thr (NM_001386870.1); short protein forms S435T, S815T, S759T.
Identifiers: ClinVar variation 1999021 (VCV001999021.4), dbSNP rs2494074513, ClinGen allele CA379762472.
Genomic context (GRCh38, chr11:17,122,770, plus strand): 5'-CTATTCTTTCCATGACATATCCTTTTTTGGTAACTGTTCCAGGAACAGAATTTGTATGTG[A>T]TGAAGTCCAAAGATATAGAAGTTTAGTTCCACATGTTAAAAACCTTCACGGATGTAAAAA-3'
Protein context (NP_002636.2, residues 805-825): GTKLLYLWTS[Ser815Thr]HTNSVPGTVT